The following is an entry in ClinVar:

NM_201596.3(CACNB2):c.1927T>C (p.Ser643Pro)

Gene: CACNB2 (calcium voltage-gated channel auxiliary subunit beta 2; plus strand). Cytogenetic location: 10p12.31.
Variant type: single nucleotide variant.
Coding change: c.1927T>C on transcript NM_201596.3 (MANE Select); coding-DNA position 1927, T replaced by C.
Protein change: p.Ser643Pro; replaces serine 643 with proline.
Molecular consequence: missense variant.
Genome position (GRCh38, 1-based): chr10:18,539,668, T>C. VCF-style: chr10-18539668-T-C. GRCh37 (hg19) VCF-style: chr10-18828597-T-C.
Other names: c.1762T>C, p.Ser588Pro (NM_000724.4); c.1729T>C, p.Ser577Pro (NM_001167945.2); c.1648T>C, p.Ser550Pro (NM_001330060.2); c.1783T>C, p.Ser595Pro (NM_201570.3); c.1843T>C, p.Ser615Pro (NM_201571.4); c.1771T>C, p.Ser591Pro (NM_201572.4); c.1765T>C, p.Ser589Pro (NM_201590.3); c.1813T>C, p.Ser605Pro (NM_201593.3); and 1 more; short protein forms S550P, S577P, S588P, S589P, S591P, S595P, S605P, S615P.
Identifiers: ClinVar variation 1058390 (VCV001058390.6), dbSNP rs771883602, ClinGen allele CA5430208.

ClinVar aggregate classification (germline): Uncertain significance (1 of 4 stars; one submission).

Conditions:
Brugada syndrome 4 (BRGDA4). Identifiers: Orphanet 130, MedGen C2678477, MONDO:0012743, OMIM 611876.

Allele frequency attached by ClinVar (database versions not stated): gnomAD exomes below 0.00001 and 0.00001; ExAC 0.00002.
gnomAD v4.1: 4 of 1,611,296 alleles (0.00025%); highest among the groups gnomAD compares: East Asian, 0.0022%; no homozygotes.

Submission:

Labcorp Genetics (formerly Invitae), Labcorp
Classification: Uncertain significance for Brugada syndrome 4. Last evaluated: 2021-08-26. Review status: criteria provided, single submitter. Criteria: Invitae Variant Classification Sherloc (09022015). Collection method: clinical testing. Allele origin: germline.
Comment: This sequence change replaces serine with proline at codon 589 of the CACNB2 protein (p.Ser589Pro). The serine residue is moderately conserved and there is a moderate physicochemical difference between serine and proline. This variant is present in population databases (rs771883602, ExAC 0.006%). This variant has not been reported in the literature in individuals affected with CACNB2-related conditions. Algorithms developed to predict the effect of missense changes on protein structure and function (SIFT, PolyPhen-2, Align-GVGD) all suggest that this variant is likely to be tolerated. In summary, the available evidence is currently insufficient to determine the role of this variant in disease. Therefore, it has been classified as a Variant of Uncertain Significance.